The following is an entry in ClinVar:

ClinVar aggregate classification (germline): Uncertain significance. Review status: criteria provided, multiple submitters, no conflicts (2 of 4 stars). 2 submissions from 2 submitters: Uncertain significance (2). Last evaluated 2022-01-11.

Allele frequency attached by ClinVar (database versions not stated): gnomAD 0.00001; gnomAD exomes 0.00002.
gnomAD v4.1: 26 of 1,612,274 alleles (0.0016%); highest among the groups gnomAD compares: African/African-American, 0.004%; no homozygotes.

Submissions (2):

Labcorp Genetics (formerly Invitae), Labcorp
Classification: Uncertain significance. Last evaluated: 2022-01-11. Review status: criteria provided, single submitter. Criteria: Invitae Variant Classification Sherloc (09022015). Collection method: clinical testing. Allele origin: germline.
Comment: In summary, the available evidence is currently insufficient to determine the role of this variant in disease. Therefore, it has been classified as a Variant of Uncertain Significance. Algorithms developed to predict the effect of missense changes on protein structure and function (SIFT, PolyPhen-2, Align-GVGD) all suggest that this variant is likely to be disruptive. This variant has not been reported in the literature in individuals affected with SLC25A19-related conditions. This variant is not present in population databases (gnomAD no frequency). This sequence change replaces arginine, which is basic and polar, with histidine, which is basic and polar, at codon 143 of the SLC25A19 protein (p.Arg143His).

Genetic Services Laboratory, University of Chicago
Classification: Uncertain significance. Last evaluated: 2019-10-07. Review status: criteria provided, single submitter. Criteria: ACMG Guidelines, 2015. Collection method: clinical testing. Allele origin: germline. Affected: no.

NM_001126121.2(SLC25A19):c.428G>A (p.Arg143His)

Gene: SLC25A19 (solute carrier family 25 member 19; minus strand). Cytogenetic location: 17q25.1.
Variant type: single nucleotide variant.
Coding change: c.428G>A on transcript NM_001126121.2 (MANE Select); coding-DNA position 428, G replaced by A.
Protein change: p.Arg143His; replaces arginine 143 with histidine.
Molecular consequence: missense variant.
Genome position (GRCh38, 1-based): chr17:75,283,454, C>T on the plus strand (G>A on the coding strand, the complement: SLC25A19 is on the minus strand). VCF-style: chr17-75283454-C-T. GRCh37 (hg19) VCF-style: chr17-73279535-C-T.
Other names: c.428G>A, p.Arg143His (NM_001126122.2, NM_021734.5); short protein forms R143H.
Identifiers: ClinVar variation 1337415 (VCV001337415.8), dbSNP rs372219499, ClinGen allele CA294008910.